The following is an entry in ClinVar:

ClinVar aggregate classification (germline): Pathogenic (1 of 4 stars; one submission).

Conditions:
Glycogen storage disease, type IV (GSD4). Also called: AMYLOPECTINOSIS; ANDERSEN DISEASE; BRANCHER DEFICIENCY; CIRRHOSIS, FAMILIAL, WITH DEPOSITION OF ABNORMAL GLYCOGEN; Glycogen storage disease due to glycogen branching enzyme deficiency; GBE1 DEFICIENCY. Identifiers: Orphanet 367, MedGen C0017923, MONDO:0009292, OMIM 232500.
Adult polyglucosan body disease (APBN). Also called: GBE1-Adult Polyglucosan Body Disease; POLYGLUCOSAN BODY DISEASE, ADULT FORM. Identifiers: Orphanet 206583, MedGen C1849722, MONDO:0009897, OMIM 263570.

Submission:

Juno Genomics, Hangzhou Juno Genomics, Inc
Classification: Pathogenic for Glycogen storage disease, type IV; Adult polyglucosan body disease. Review status: criteria provided, single submitter. Criteria: ACMG Guidelines, 2015. Collection method: clinical testing. Allele origin: germline.
Comment: Absent from controls (or at extremely low frequency if recessive) in Genome Aggregation Database.;Null variant in a gene where loss of function (LOF) is a known mechanism of disease.;For recessive disorders, detected in trans with a pathogenic variant.

NM_000158.4(GBE1):c.1619-142_1803+532delinsTGTAGCTACA

Gene: GBE1 (1,4-alpha-glucan branching enzyme 1; minus strand). Cytogenetic location: 3p12.2.
Variant type: Indel.
Coding change: c.1619-142_1803+532delinsTGTAGCTACA on transcript NM_000158.4 (MANE Select); 142 bases into the intron before coding-DNA position 1619 through 532 bases into the intron after coding-DNA position 1803, the reference bases replaced by TGTAGCTACA.
Molecular consequence: splice acceptor variant, splice donor variant.
Genome position (GRCh38, 1-based): chr3:81,536,379-81,537,237, 859 bases replaced. GRCh37 (hg19): chr3:81,585,530-81,586,388.
Identifiers: ClinVar variation 5006699 (VCV005006699.2).